The following is an entry in ClinVar:

NM_000078.3(CETP):c.1306C>T (p.Pro436Ser)

Gene: CETP (cholesteryl ester transfer protein; plus strand). Cytogenetic location: 16q13.
Variant type: single nucleotide variant.
Coding change: c.1306C>T on transcript NM_000078.3 (MANE Select); coding-DNA position 1306, C replaced by T.
Protein change: p.Pro436Ser; replaces proline 436 with serine.
Molecular consequence: missense variant.
Genome position (GRCh38, 1-based): chr16:56,982,222, C>T. VCF-style: chr16-56982222-C-T. GRCh37 (hg19) VCF-style: chr16-57016134-C-T.
Other names: c.1126C>T, p.Pro376Ser (NM_001286085.2); short protein forms P376S, P436S.
Identifiers: ClinVar variation 4700863 (VCV004700863.1).

ClinVar aggregate classification (germline): Uncertain significance (1 of 4 stars; one submission).

Submission:

Labcorp Genetics (formerly Invitae), Labcorp
Classification: Uncertain significance. Last evaluated: 2025-10-28. Review status: criteria provided, single submitter. Criteria: Invitae Variant Classification Sherloc (09022015). Collection method: clinical testing. Allele origin: germline.
Comment: This sequence change replaces proline, which is neutral and non-polar, with serine, which is neutral and polar, at codon 436 of the CETP protein (p.Pro436Ser). This variant is not present in population databases (gnomAD no frequency). This variant has not been reported in the literature in individuals affected with CETP-related conditions. Invitae Evidence Modeling of protein sequence and biophysical properties (such as structural, functional, and spatial information, amino acid conservation, physicochemical variation, residue mobility, and thermodynamic stability) indicates that this missense variant is expected to disrupt CETP protein function with a positive predictive value of 80%. In summary, the available evidence is currently insufficient to determine the role of this variant in disease. Therefore, it has been classified as a Variant of Uncertain Significance.